The following is an entry in ClinVar:

ClinVar aggregate classification (germline): Pathogenic. Review status: reviewed by expert panel (3 of 4 stars). 15 submissions from 14 submitters: Pathogenic (1). 14 of the submissions do not count toward it. Last evaluated 2025-09-05.

Conditions:
Retinal disorder. Also called: Retinal disorders; Retinopathies; Retinal Diseases; Retinopathy. Identifiers: MedGen C0035309, MONDO:0005283, HP:0000488.
X-linked retinitis pigmentosa. Identifiers: MedGen C0339528.
RPGR-related retinopathy. Also called: RPGR retinopathy. Identifiers: MedGen CN305589, MONDO:0100437.
Retinal dystrophy. Also called: Inherited retinal dystrophy. Identifiers: Orphanet 71862, MedGen C0854723, MeSH D058499, MONDO:0019118, HP:0000556.
Primary ciliary dyskinesia. Also called: Ciliary dyskinesia. Identifiers: Orphanet 244, MedGen C0008780, MONDO:0016575, HP:0012265.
Retinitis pigmentosa (RP). Identifiers: Orphanet 791, MedGen C0035334, MeSH D012174, MONDO:0019200, OMIM 268000. Inheritance: Autosomal dominant, autosomal recessive and X linked inheritance.
Retinitis pigmentosa 3. Also called: CHOROIDORETINAL DEGENERATION WITH RETINAL REFLEX IN HETEROZYGOUS WOMEN. Identifiers: Orphanet 791, MedGen C1845667, MONDO:0010227, OMIM 300029.

Submissions (15):

ClinGen X-linked Inherited Retinal Disease Variant Curation Expert Panel, ClinGen
Classification: Pathogenic for RPGR-related retinopathy. Last evaluated: 2025-09-05. Review status: reviewed by expert panel. Criteria: ClinGen X LinkedIRD ACMG Specifications RPGR V1.0.0. Collection method: curation. Allele origin: germline. Inheritance: X-linked inheritance.
Comment: NM_001034853.2(RPGR):c.2426_2427del (p.Glu809GlyfsTer25) is a frameshift variant due to deletion of 2 nucleotides that introduces a premature stop codon within exon 15 of 15 that is predicted to disrupt a critical C-terminal region required for proper glutamylation of RPGR (PVS1, PMID: 36445968). This variant is absent from gnomAD v4.1.0 (PM2_Supporting). At least one proband harboring this variant exhibits a phenotype including presentation with night blindness (0.5 pts) with onset at age 3 years (1 pt), reduced visual acuity (0.5 pts), reduced rod electroretinogram responses, fundus appearance showing widespread retinal pigment epithelium degeneration with mid-periphery pigment deposits (0.5 pts), optic disc pallor (0.5 pts), severe macular degeneration, artery attenuation, and genotyping by next-generation sequencing with a panel of 483 genes identifying no alternative basis for retinal disease (2 pts), which together are specific for RPGR-related retinopathy (5 points, PMID: 36276946, PP4). In summary, this variant is classified as pathogenic for RPGR-related retinopathy based on the ClinGen X-linked Inherited Retinal Disease Expert Panel Specifications to the ACMG/AMP Variant Interpretation Guidelines for RPGR Version 1.0.0; PVS1, PM2_Supporting, and PP4.

Institute of Medical Genetics and Applied Genomics, University Hospital Tübingen
Classification: Pathogenic for Retinitis pigmentosa 3. Last evaluated: 2026-01-19. Review status: criteria provided, single submitter. Criteria: ACMG Guidelines, 2015. Collection method: clinical testing. Allele origin: germline. Inheritance: X-linked recessive inheritance. Affected: yes. Not counted in ClinVar's aggregate classification.

Labcorp Genetics (formerly Invitae), Labcorp
Classification: Pathogenic for Primary ciliary dyskinesia. Last evaluated: 2025-11-23. Review status: criteria provided, single submitter. Criteria: Invitae Variant Classification Sherloc (09022015). Collection method: clinical testing. Allele origin: germline. Not counted in ClinVar's aggregate classification.
Comment: This sequence change creates a premature translational stop signal (p.Glu809Glyfs*25) in the RPGR (ORF15) gene. While this is not anticipated to result in nonsense mediated decay, it is expected to disrupt the last 344 amino acid(s) of the RPGR (ORF15) protein. This variant is not present in population databases (gnomAD no frequency). This premature translational stop signal has been observed in individual(s) with retinitis pigmentosa (PMID: 14566651, 20064120, 25775262). It has also been observed to segregate with disease in related individuals. This variant is also known as RPGR–ORF15 del673–674. ClinVar contains an entry for this variant (Variation ID: 183262). This variant disrupts a region of the RPGR (ORF15) protein in which other variant(s) (p.Leu1130Lysfs*13) have been determined to be pathogenic (PMID: 22264887; internal data). This suggests that this is a clinically significant region of the protein, and that variants that disrupt it are likely to be disease-causing. For these reasons, this variant has been classified as Pathogenic.

North West Genomic Laboratory Hub, Manchester University NHS Foundation Trust
Classification: Pathogenic for Retinal disorders; X-linked retinitis pigmentosa. Last evaluated: 2025-07-23. Review status: criteria provided, single submitter. Criteria: ACGS Best Practice Guidelines for Variant Classification in Rare Disease 2020. Collection method: clinical testing. Allele origin: germline. Affected: yes. Not counted in ClinVar's aggregate classification.
Comment: PM2_Mod PS4_Mod PVS1_VStr

GeneDx
Classification: Pathogenic. Last evaluated: 2024-08-22. Review status: criteria provided, single submitter. Criteria: GeneDx Variant Classification Process June 2021. Collection method: clinical testing. Allele origin: germline. Affected: yes. Not counted in ClinVar's aggregate classification.
Comment: Identified in multiple unrelated patients with X-linked retinitis pigmentosa in published literature (PMID: 10932196); Frameshift variant predicted to result in protein truncation or nonsense mediated decay in a gene for which loss of function is a known mechanism of disease; Not observed at significant frequency in large population cohorts (gnomAD); This variant is associated with the following publications: (PMID: 32141364, 31953110, 32000842, 33546218, 23822596, 20064120, 17093403, 14566651, 11992260, 34659350, 34985506, 30567410, 18552978, 32094925, 32860923, 25775262, 30543658, 37510321, 38117582, 36276946, 36050475, 38586605, 37284979, 33090715, 10932196)

3billion
Classification: Pathogenic for Retinitis pigmentosa 3. Last evaluated: 2024-01-23. Review status: criteria provided, single submitter. Criteria: ACMG Guidelines, 2015. Collection method: clinical testing. Allele origin: germline. Affected: yes. Not counted in ClinVar's aggregate classification.
Comment: The variant is not observed in the gnomAD v2.1.1 dataset. Predicted Consequence/Location: Frameshift: predicted to result in a loss or disruption of normal protein function through protein truncation. The predicted truncated protein may be shortened by more than 10%. The variant has been reported at least twice as pathogenic with clinical assertions and evidence for the classification (ClinVar ID: VCV000183262). Therefore, this variant is classified as Pathogenic according to the recommendation of ACMG/AMP guideline.

Dept Of Ophthalmology, Nagoya University
Classification: Likely pathogenic for Retinal dystrophy. Last evaluated: 2023-10-01. Review status: criteria provided, single submitter. Criteria: Submitter's publication. Collection method: research. Allele origin: germline. Affected: yes. Not counted in ClinVar's aggregate classification.

CeGaT Center for Human Genetics Tuebingen
Classification: Pathogenic. Last evaluated: 2023-05-01. Review status: criteria provided, single submitter. Criteria: CeGaT Center For Human Genetics Tuebingen Variant Classification Criteria Version 2. Collection method: clinical testing. Allele origin: germline. Affected: yes. Observed: 3 variant alleles. Not counted in ClinVar's aggregate classification.
Comment: RPGR: PVS1:Strong, PM1, PM2, PS4:Moderate

Institute of Medical Molecular Genetics, University of Zurich
Classification: Likely pathogenic for Retinitis pigmentosa 3. Last evaluated: 2021-01-30. Review status: criteria provided, single submitter. Criteria: ACMG Guidelines, 2015. Collection method: clinical testing. Allele origin: germline. Affected: yes. Not counted in ClinVar's aggregate classification.

Blueprint Genetics
Classification: Pathogenic for Retinal dystrophy. Last evaluated: 2019-08-09. Review status: criteria provided, single submitter. Criteria: Blueprint Genetics Variant Classification Scheme. Collection method: clinical testing. Allele origin: germline. Affected: yes. Not counted in ClinVar's aggregate classification.

PreventionGenetics, part of Exact Sciences
Classification: Pathogenic. Last evaluated: 2016-01-06. Review status: criteria provided, single submitter. Criteria: ACMG Guidelines, 2015. Collection method: clinical testing. Allele origin: germline. Not counted in ClinVar's aggregate classification.

Institute of Human Genetics, Univ. Regensburg, Univ. Regensburg
Classification: Pathogenic for Retinal dystrophy. Last evaluated: 2015-01-01. Review status: criteria provided, single submitter. Criteria: ACMG Guidelines, 2015. Collection method: clinical testing. Allele origin: germline. Affected: yes. Not counted in ClinVar's aggregate classification.

Personalis, Inc.
Classification: Pathogenic for Retinitis pigmentosa. Last evaluated: 2014-08-25. Review status: no assertion criteria provided. Collection method: research. Allele origin: unknown. Inheritance: X-linked inheritance. Affected: yes. Not counted in ClinVar's aggregate classification.
Comment: The variant, c.2426_2427del (also known as c. 2425_2426del), results in the protein change, p.Glu809Glyfs*25. It has previously been reported in literature in several individuals affected by retinitis pigmentosa from different ethnicities: Czech, North American, Swedish, Japanese (Kousal et al., 2013; Liskova et al., 2011; Breuer et al., 2002; Vervoort et al., 2000; Andreasson et al., 2003; Jin at al., 2006) and familial segregation of this variant with retinitis pigmentosa phenotype has also been documented (Liskova et al., 2011; Jin et al., 2006). In one family, two affected cousins were identified to carry this variant, and despite similar age, the proband seemed to have a somewhat milder presentation without nyctalopia and with normal color vision and contrast sensitivity. The shared phenotypic features included bilateral myopia, astigmatism of varying severity, severely impaired contrast sensitivity and color vision, and bone spicules. None of the carriers exhibited typical bone spicules or a tapetal-like reflex (Kousal et al., 2013; Liskova et al., 2011). Breuer et al. (2002) identified this variant in two unrelated individuals with a diagnosis of retinitis pigmentosa. This frameshift variant is located in the ORF15 region of RPGR that is translated in the clinically relevant transcript. Variants in the ORF15 region, which is a mutational hotspot where several other frameshift variants have been described, account for 30-63% of males with X-linked retinitis pigmentosa (Branham et al., 2012). The variant is absent in the 1000 genomes, NHLBI GO-ESP, and UK10K healthy datasets.
ClinVar note: Converted during submission from pathogenic to Pathogenic.

OMIM
Classification: Pathogenic for RETINITIS PIGMENTOSA 3. Last evaluated: 2000-08-01. Review status: no assertion criteria provided. Collection method: literature only. Allele origin: germline. Not counted in ClinVar's aggregate classification.

Blueprint Genetics
Classification: Pathogenic for Retinitis pigmentosa 3. Review status: no assertion criteria provided. Collection method: clinical testing. Allele origin: germline. Affected: yes. Not counted in ClinVar's aggregate classification.

Literature cited by the submitters: PubMed 14566651 (cited by Labcorp Genetics (formerly Invitae), Labcorp and Personalis, Inc.); PubMed 20064120 (cited by Labcorp Genetics (formerly Invitae), Labcorp and Personalis, Inc.); PubMed 25775262 (cited by Labcorp Genetics (formerly Invitae), Labcorp); PubMed 22264887 (cited by Labcorp Genetics (formerly Invitae), Labcorp); PubMed 10932196 (cited by 3 submitters); PubMed 32000842 (cited by Institute of Human Genetics, Univ. Regensburg, Univ. Regensburg); PubMed 31953110 (cited by Institute of Human Genetics, Univ. Regensburg, Univ. Regensburg); PubMed 33090715 (cited by Institute of Human Genetics, Univ. Regensburg, Univ. Regensburg); PubMed 32141364 (cited by Institute of Human Genetics, Univ. Regensburg, Univ. Regensburg); PubMed 34659350 (cited by Institute of Human Genetics, Univ. Regensburg, Univ. Regensburg); PubMed 36276946 (cited by Institute of Human Genetics, Univ. Regensburg, Univ. Regensburg); PubMed 34985506 (cited by Institute of Human Genetics, Univ. Regensburg, Univ. Regensburg); PubMed 23822596 (cited by Personalis, Inc.); PubMed 17093403 (cited by Personalis, Inc.).

NM_001034853.2(RPGR):c.2426_2427del (p.Glu809fs)

Gene: RPGR (retinitis pigmentosa GTPase regulator; minus strand). Cytogenetic location: Xp11.4.
Variant type: Microsatellite.
Coding change: c.2426_2427del on transcript NM_001034853.2 (MANE Select); coding-DNA positions 2426 to 2427, 2 bases deleted (AG; older notation c.2426_2427delAG).
Protein change: p.Glu809fs; shifts the reading frame from glutamic acid 809.
Molecular consequence: frameshift variant. On other transcripts: intron variant (8).
Genome position (GRCh38, 1-based): chrX:38,286,572-38,286,573, CT deleted on the plus strand (AG on the coding strand, the reverse complement: RPGR is on the minus strand); deleting any 2 consecutive bases within chrX:38,286,572-38,286,575 gives the same sequence; the c. name uses the placement nearest the transcript's 3' end. VCF-style (leftmost placement, unchanged base first): chrX-38286571-CCT-C. GRCh37 (hg19) VCF-style: chrX-38145824-CCT-C.
Other names: ORF15+673_674delAG; NM_001034853.2(RPGR):c.2426_2427del; p.Glu809fs; c.1569+4386_1569+4387del (NM_001367249.1, NM_001367250.1); c.1902+521_1902+522del (NM_001367245.1); c.1386+4386_1386+4387del (NM_001367251.1); c.1719+521_1719+522del (NM_001367246.1); c.1572+4386_1572+4387del (NM_001367247.1); and 3 more; short protein forms E809fs.
Identifiers: ClinVar variation 183262 (VCV000183262.59), dbSNP rs730882261, ClinGen allele CA273790.